The following is an entry in ClinVar:

ClinVar aggregate classification (germline): Conflicting classifications of pathogenicity. Review status: criteria provided, conflicting classifications (1 of 4 stars). 6 submissions from 6 submitters: Uncertain significance (1); Likely benign (5). Last evaluated 2025-03-17.

Conditions:
Cerebroretinal microangiopathy with calcifications and cysts 1 (CRMCC1). Identifiers: Orphanet 313838, MedGen C4552029, MONDO:0024564, OMIM 612199.
CTC1-related disorder. Also called: CTC1-related condition.
Dyskeratosis congenita. Identifiers: Orphanet 1775, MedGen C0265965, MONDO:0015780.

Allele frequency attached by ClinVar (database versions not stated): gnomAD 0.00001; TOPMed 0.00001; gnomAD exomes 0.00002 and 0.00006; ExAC 0.00006.
gnomAD v4.1: 23 of 1,612,632 alleles (0.0014%); highest among the groups gnomAD compares: East Asian, 0.049%; no homozygotes.

Submissions (6):

PreventionGenetics, part of Exact Sciences
Classification: Likely benign for CTC1-related condition. Last evaluated: 2025-03-17. Review status: criteria provided, single submitter. Criteria: ACMG Guidelines, 2015. Collection method: clinical testing. Allele origin: germline.
Comment: This variant is classified as likely benign based on ACMG/AMP sequence variant interpretation guidelines (Richards et al. 2015 PMID: 25741868, with internal and published modifications).

Labcorp Genetics (formerly Invitae), Labcorp
Classification: Likely benign for Dyskeratosis congenita. Last evaluated: 2025-03-09. Review status: criteria provided, single submitter. Criteria: Invitae Variant Classification Sherloc (09022015). Collection method: clinical testing. Allele origin: germline.

Blueprint Genetics
Classification: Likely benign. Last evaluated: 2024-05-17. Review status: criteria provided, single submitter. Criteria: ACMG Guidelines, 2015. Collection method: clinical testing. Allele origin: germline.

Sema4
Classification: Likely benign for Dyskeratosis congenita. Last evaluated: 2022-01-17. Review status: criteria provided, single submitter. Criteria: Sema4 Curation Guidelines. Collection method: curation. Allele origin: germline.

Genome-Nilou Lab
Classification: Likely benign for Cerebroretinal microangiopathy with calcifications and cysts 1. Last evaluated: 2021-07-15. Review status: criteria provided, single submitter. Criteria: ACMG Guidelines, 2015. Collection method: clinical testing. Allele origin: germline. Affected: no.

Illumina Laboratory Services, Illumina
Classification: Uncertain significance for Dyskeratosis congenita. Last evaluated: 2018-01-12. Review status: criteria provided, single submitter. Criteria: ICSL Variant Classification Criteria 13 December 2019. Collection method: clinical testing. Allele origin: germline.

NM_025099.6(CTC1):c.1500C>T (p.Pro500=)

Gene: CTC1 (CST telomere replication complex component 1; minus strand). Cytogenetic location: 17p13.1.
Variant type: single nucleotide variant.
Coding change: c.1500C>T on transcript NM_025099.6 (MANE Select); coding-DNA position 1500, C replaced by T.
Protein change: p.Pro500=; no amino-acid change (proline 500 retained).
Molecular consequence: synonymous variant. On other transcripts: non-coding transcript variant (1).
Genome position (GRCh38, 1-based): chr17:8,234,866, G>A on the plus strand (C>T on the coding strand, the complement: CTC1 is on the minus strand). VCF-style: chr17-8234866-G-A. GRCh37 (hg19) VCF-style: chr17-8138184-G-A.
Identifiers: ClinVar variation 326080 (VCV000326080.23), dbSNP rs761750183, ClinGen allele CA8372330.